The following is an entry in ClinVar:

ClinVar aggregate classification (germline): Likely benign. Review status: criteria provided, multiple submitters, no conflicts (2 of 4 stars). 3 submissions from 3 submitters: Likely benign (3). Last evaluated 2025-07-01.

Allele frequency attached by ClinVar (database versions not stated): ExAC 0.00004; gnomAD exomes 0.00004.
gnomAD v4.1: 51 of 1,613,872 alleles (0.0032%); highest among the groups gnomAD compares: South Asian, 0.0044%; no homozygotes.

Submissions (3):

CeGaT Center for Human Genetics Tuebingen
Classification: Likely benign. Last evaluated: 2025-07-01. Review status: criteria provided, single submitter. Criteria: CeGaT Center For Human Genetics Tuebingen Variant Classification Criteria Version 2. Collection method: clinical testing. Allele origin: germline. Affected: yes. Observed: 1 variant allele.
Comment: HK1: BP4, BP7

Labcorp Genetics (formerly Invitae), Labcorp
Classification: Likely benign. Last evaluated: 2025-04-07. Review status: criteria provided, single submitter. Criteria: Invitae Variant Classification Sherloc (09022015). Collection method: clinical testing. Allele origin: germline.

Blueprint Genetics
Classification: Likely benign. Last evaluated: 2023-01-23. Review status: criteria provided, single submitter. Criteria: ACMG Guidelines, 2015. Collection method: clinical testing. Allele origin: germline.

NM_000188.3(HK1):c.2325G>A (p.Thr775=)

Gene: HK1 (hexokinase 1; plus strand). Cytogenetic location: 10q22.1.
Variant type: single nucleotide variant.
Coding change: c.2325G>A on transcript NM_000188.3 (MANE Select); coding-DNA position 2325, G replaced by A.
Protein change: p.Thr775=; no amino-acid change (threonine 775 retained).
Molecular consequence: synonymous variant.
Genome position (GRCh38, 1-based): chr10:69,395,055, G>A. VCF-style: chr10-69395055-G-A. GRCh37 (hg19) VCF-style: chr10-71154811-G-A.
Other names: c.2337G>A, p.Thr779= (NM_001322364.2, NM_001358263.1, NM_033497.3 and 1 more transcripts); c.2430G>A, p.Thr810= (NM_001322365.2); c.2241G>A, p.Thr747= (NM_001322366.1); c.2229G>A, p.Thr743= (NM_001322367.1); c.2322G>A, p.Thr774= (NM_033496.3); c.2289G>A, p.Thr763= (NM_033500.2).
Identifiers: ClinVar variation 1636630 (VCV001636630.17), dbSNP rs765322965, ClinGen allele CA5532828.